The following is an entry in ClinVar:

NM_153638.4(PANK2):c.38G>A (p.Trp13Ter)

Genes: PANK2 (pantothenate kinase 2; plus strand), PANK2-AS1 (PANK2 antisense RNA 1; minus strand). Cytogenetic location: 20p13.
Variant type: single nucleotide variant.
Coding change: c.38G>A on transcript NM_153638.4; coding-DNA position 38, G replaced by A.
Protein change: p.Trp13Ter; replaces tryptophan 13 with a stop codon.
Molecular consequence: nonsense. On other transcripts: intron variant (1).
Genome position (GRCh38, 1-based): chr20:3,889,138, G>A. VCF-style: chr20-3889138-G-A. GRCh37 (hg19) VCF-style: chr20-3869785-G-A.
Other names: c.38G>A, p.Trp13Ter (NM_001324192.1); c.-246+234G>A (NM_024960.6); short protein forms W13*.
Identifiers: ClinVar variation 2179549 (VCV002179549.2), dbSNP rs2515419501, ClinGen allele CA408138399.

ClinVar aggregate classification (germline): Uncertain significance. Review status: criteria provided, single submitter (1 of 4 stars). 2 submissions from 2 submitters: Uncertain significance (1). 1 of the submissions does not count toward it. Last evaluated 2022-08-09.

Conditions:
Pigmentary pallidal degeneration (NBIA1). Also called: Neurodegeneration with brain iron accumulation 1; HARP SYNDROME; PKAN NEUROAXONAL DYSTROPHY, JUVENILE-ONSET; Pantothenate Kinase-Associated Neurodegeneration; Neuroaxonal dystrophy, late infantile; Hallervorden-Spatz disease. Identifiers: Orphanet 157850, MedGen C0018523, MONDO:0009319, OMIM 234200.
Retinal dystrophy. Also called: Inherited retinal dystrophy. Identifiers: Orphanet 71862, MedGen C0854723, MeSH D058499, MONDO:0019118, HP:0000556.

Allele frequency attached by ClinVar (database versions not stated): gnomAD exomes below 0.00001.
gnomAD v4.1: 3 of 1,566,404 alleles (0.00019%); highest among the groups gnomAD compares: Non-Finnish European, 0.00026%; no homozygotes.

Submissions (2):

Labcorp Genetics (formerly Invitae), Labcorp
Classification: Uncertain significance for Pigmentary pallidal degeneration. Last evaluated: 2022-08-09. Review status: criteria provided, single submitter. Criteria: Invitae Variant Classification Sherloc (09022015). Collection method: clinical testing. Allele origin: germline.
Comment: This sequence change creates a premature translational stop signal (p.Trp13*) in the PANK2 gene. While this is not anticipated to result in nonsense mediated decay, it is expected to disrupt the last 558 amino acid(s) of the PANK2 protein. This variant is not present in population databases (gnomAD no frequency). This variant has not been reported in the literature in individuals affected with PANK2-related conditions. Algorithms developed to predict the effect of sequence changes on RNA splicing suggest that this variant may create or strengthen a splice site. In summary, the available evidence is currently insufficient to determine the role of this variant in disease. Therefore, it has been classified as a Variant of Uncertain Significance.

Institute of Human Genetics, Univ. Regensburg, Univ. Regensburg
Classification: Pathogenic for Retinal dystrophy. Last evaluated: 2023-01-01. Review status: no assertion criteria provided. Criteria: ACMG Guidelines, 2015. Collection method: clinical testing. Allele origin: germline. Affected: yes. Not counted in ClinVar's aggregate classification.